The following is an entry in ClinVar:

ClinVar aggregate classification (germline): Uncertain significance (1 of 4 stars; one submission).

Conditions:
Cardiovascular phenotype. Identifiers: MedGen CN230736.

Submission:

Ambry Genetics
Classification: Uncertain significance for Cardiovascular phenotype. Last evaluated: 2018-12-31. Review status: criteria provided, single submitter. Criteria: Ambry Variant Classification Scheme 2023. Collection method: clinical testing. Allele origin: germline.
Comment: The p.S17452N variant (also known as c.52355G>A), located in coding exon 153 of the TTN gene, results from a G to A substitution at nucleotide position 52355. The serine at codon 17452 is replaced by asparagine, an amino acid with highly similar properties. This nucleotide position is highly conserved in available vertebrate species. This amino acid position is not well conserved in available vertebrate species. In addition, this alteration is predicted to be tolerated by in silico analysis. Since supporting evidence is limited at this time, the clinical significance of this alteration remains unclear.

NM_001267550.2(TTN):c.79550G>A (p.Ser26517Asn)

Genes: TTN (titin; minus strand), TTN-AS1 (TTN antisense RNA 1; plus strand). Cytogenetic location: 2q31.2.
Variant type: single nucleotide variant.
Coding change: c.79550G>A on transcript NM_001267550.2 (MANE Select); coding-DNA position 79550, G replaced by A.
Protein change: p.Ser26517Asn; replaces serine 26517 with asparagine.
Molecular consequence: missense variant.
Genome position (GRCh38, 1-based): chr2:178,566,582, C>T on the plus strand (G>A on the coding strand, the complement: TTN is on the minus strand). VCF-style: chr2-178566582-C-T. GRCh37 (hg19) VCF-style: chr2-179431309-C-T.
Other names: c.74627G>A, p.Ser24876Asn (NM_001256850.1); c.52355G>A, p.Ser17452Asn (NM_003319.4); c.71846G>A, p.Ser23949Asn (NM_133378.4); c.52730G>A, p.Ser17577Asn (NM_133432.3); c.52931G>A, p.Ser17644Asn (NM_133437.4); short protein forms S17577N, S17644N, S24876N, S17452N, S23949N, S26517N.
Identifiers: ClinVar variation 1746248 (VCV001746248.2), dbSNP rs2468291335, ClinGen allele CA349596185.
Genomic context (GRCh38, chr2:178,566,582, plus strand): 5'-ACTATTTGCCATTCTTCTTCATCTGCTTTACAGATTTCTACTACATATCCCAAGATCTCA[C>T]TGCCGCCATCATAGATGGGTTTACCCCAGGCAAGTGTGATTGAATTTTTAGTGGTGTCTA-3'
Protein context (NP_001254479.2, residues 26507-26527): AWGKPIYDGG[Ser26517Asn]EILGYVVEIC